The following is an entry in ClinVar:

NM_152906.7(TANGO2):c.710G>A (p.Arg237Lys)

Gene: TANGO2 (transport and golgi organization 2 homolog; plus strand). Cytogenetic location: 22q11.21.
Variant type: single nucleotide variant.
Coding change: c.710G>A on transcript NM_152906.7 (MANE Select); coding-DNA position 710, G replaced by A.
Protein change: p.Arg237Lys; replaces arginine 237 with lysine.
Molecular consequence: missense variant. On other transcripts: synonymous variant (5), 3 prime UTR variant (1), non-coding transcript variant (5), intron variant (1).
Genome position (GRCh38, 1-based): chr22:20,063,442, G>A. VCF-style: chr22-20063442-G-A. GRCh37 (hg19) VCF-style: chr22-20050965-G-A.
Other names: c.710G>A, p.Arg237Lys (NM_001283106.3, NM_001283116.3, NM_001322142.2); c.833G>A, p.Arg278Lys (NM_001283129.3, NM_001322141.2, NM_001322143.2); c.708G>A, p.Gln236= (NM_001283148.3, NM_001283154.3); c.524G>A, p.Arg175Lys (NM_001283179.3, NM_001283186.3, NM_001322163.2 and 2 more transcripts); c.485G>A, p.Arg162Lys (NM_001283199.3); c.416G>A, p.Arg139Lys (NM_001283235.3, NM_001322150.2, NM_001322153.2 and 6 more transcripts); c.*46G>A (NM_001283248.3); c.831G>A, p.Gln277= (NM_001322144.2); and 5 more; short protein forms R139K, R162K, R175K, R203K, R216K, R237K, R278K.
Identifiers: ClinVar variation 4796737 (VCV004796737.1).

ClinVar aggregate classification (germline): Likely pathogenic (1 of 4 stars; one submission).

Conditions:
Recurrent metabolic encephalomyopathic crises-rhabdomyolysis-cardiac arrhythmia-intellectual disability syndrome (MECRCN). Also called: Metabolic encephalomyopathic crises, recurrent, with rhabdomyolysis, cardiac arrhythmias, and neurodegeneration; METABOLIC CRISES, RECURRENT, WITH RHABDOMYOLYSIS, CARDIAC ARRHYTHMIAS, AND NEURODEGENERATION; TANGO2 Deficiency. Identifiers: Orphanet 480864, MedGen C5567524, MONDO:0018820, OMIM 616878.

Submission:

Medical Genetics, Christian Medical College
Classification: Likely pathogenic for Recurrent metabolic encephalomyopathic crises-rhabdomyolysis-cardiac arrhythmia-intellectual disability syndrome. Review status: criteria provided, single submitter. Criteria: ACMG Guidelines, 2015. Collection method: clinical testing. Allele origin: germline. Inheritance: Autosomal recessive inheritance. Affected: yes. Observed: 1 homozygote.
Comment: The variant has been observed in multiple cases, and in silico predictions are highly deleterious.